The following is an entry in ClinVar:

ClinVar aggregate classification (germline): Likely benign (1 of 4 stars; one submission).

Conditions:
YWHAE-related disorder. Also called: YWHAE-related condition.

Submission:

PreventionGenetics, part of Exact Sciences
Classification: Likely benign for YWHAE-related condition. Last evaluated: 2026-04-14. Review status: criteria provided, single submitter. Criteria: ACMG Guidelines, 2015. Collection method: clinical testing. Allele origin: germline.
Comment: This variant is classified as likely benign based on ACMG/AMP sequence variant interpretation guidelines (Richards et al. 2015 PMID: 25741868, with internal and published modifications).

NM_006761.5(YWHAE):c.417C>T (p.Asn139=)

Gene: YWHAE (tyrosine 3-monooxygenase/tryptophan 5-monooxygenase activation protein epsilon; minus strand). Cytogenetic location: 17p13.3.
Variant type: single nucleotide variant.
Coding change: c.417C>T on transcript NM_006761.5 (MANE Select); coding-DNA position 417, C replaced by T.
Protein change: p.Asn139=; no amino-acid change (asparagine 139 retained).
Molecular consequence: synonymous variant. On other transcripts: non-coding transcript variant (1).
Genome position (GRCh38, 1-based): chr17:1,361,253, G>A on the plus strand (C>T on the coding strand, the complement: YWHAE is on the minus strand). VCF-style: chr17-1361253-G-A. GRCh37 (hg19) VCF-style: chr17-1264547-G-A.
Identifiers: ClinVar variation 4977816 (VCV004977816.1).